The following is an entry in ClinVar:

ClinVar aggregate classification (germline): Pathogenic (1 of 4 stars; one submission).

gnomAD v4.1: 1 of 1,614,212 alleles (0.000062%); highest among the groups gnomAD compares: Admixed American, 0.0017%; no homozygotes.

Submission:

GeneDx
Classification: Pathogenic. Last evaluated: 2017-12-12. Review status: criteria provided, single submitter. Criteria: GeneDx Variant Classification (06012015). Collection method: clinical testing. Allele origin: germline. Affected: yes.
Comment: The R122X nonsense variant in the WNT1 gene has not been published as a pathogenic variant, nor has it been reported as a benign variant to our knowledge. This variant is predicted to cause loss of normal protein function either through protein truncation or nonsense-mediated mRNA decay. The R122X variant is not observed in large population cohorts (Lek et al., 2016; 1000 Genomes Consortium et al., 2015; Exome Variant Server). Based on currently available evidence, we consider R122X to be pathogenic.

NM_005430.4(WNT1):c.364C>T (p.Arg122Ter)

Gene: WNT1 (Wnt family member 1; plus strand). Cytogenetic location: 12q13.12.
Variant type: single nucleotide variant.
Coding change: c.364C>T on transcript NM_005430.4 (MANE Select); coding-DNA position 364, C replaced by T.
Protein change: p.Arg122Ter; replaces arginine 122 with a stop codon.
Molecular consequence: nonsense.
Genome position (GRCh38, 1-based): chr12:48,980,429, C>T. VCF-style: chr12-48980429-C-T. GRCh37 (hg19) VCF-style: chr12-49374212-C-T.
Other names: short protein forms R122*.
Identifiers: ClinVar variation 489252 (VCV000489252.2), dbSNP rs769853984, ClinGen allele CA384630402.